The following is an entry in ClinVar:

NM_001130823.3(DNMT1):c.2938G>A (p.Val980Met)

Gene: DNMT1 (DNA methyltransferase 1; minus strand). Cytogenetic location: 19p13.2.
Variant type: single nucleotide variant.
Coding change: c.2938G>A on transcript NM_001130823.3 (MANE Select); coding-DNA position 2938, G replaced by A.
Protein change: p.Val980Met; replaces valine 980 with methionine.
Molecular consequence: missense variant.
Genome position (GRCh38, 1-based): chr19:10,143,944, C>T on the plus strand (G>A on the coding strand, the complement: DNMT1 is on the minus strand). VCF-style: chr19-10143944-C-T. GRCh37 (hg19) VCF-style: chr19-10254620-C-T.
Other names: c.2890G>A, p.Val964Met (NM_001318730.2, NM_001379.4); c.2575G>A, p.Val859Met (NM_001318731.2); short protein forms V964M, V980M, V859M.
Identifiers: ClinVar variation 2997887 (VCV002997887.4), dbSNP rs757550838, ClinGen allele CA9187892.

ClinVar aggregate classification (germline): Uncertain significance. Review status: criteria provided, multiple submitters, no conflicts (2 of 4 stars). 2 submissions from 2 submitters: Uncertain significance (2). Last evaluated 2024-03-25.

Conditions:
Hereditary sensory neuropathy-deafness-dementia syndrome. Also called: NEUROPATHY, HEREDITARY SENSORY, WITH HEARING LOSS AND DEMENTIA; Hereditary Sensory and Autonomic Neuropathy Type 1E (HSAN1E); Hereditary sensory neuropathy type IE; HSN IE. Identifiers: Orphanet 456318, MedGen C3279885, MONDO:0013584, OMIM 614116.

Allele frequency attached by ClinVar (database versions not stated): gnomAD exomes below 0.00001; TOPMed below 0.00001; ExAC 0.00001.
gnomAD v4.1: 7 of 1,614,088 alleles (0.00043%); highest among the groups gnomAD compares: South Asian, 0.0066%; no homozygotes.

Submissions (2):

Genomic Medicine Center of Excellence, King Faisal Specialist Hospital and Research Centre
Classification: Uncertain significance for Hereditary sensory neuropathy-deafness-dementia syndrome. Last evaluated: 2024-03-25. Review status: criteria provided, single submitter. Criteria: ACMG Guidelines, 2015. Collection method: clinical testing. Allele origin: germline.

Labcorp Genetics (formerly Invitae), Labcorp
Classification: Uncertain significance for Hereditary sensory neuropathy-deafness-dementia syndrome. Last evaluated: 2023-02-20. Review status: criteria provided, single submitter. Criteria: Invitae Variant Classification Sherloc (09022015). Collection method: clinical testing. Allele origin: germline.
Comment: This sequence change replaces valine, which is neutral and non-polar, with methionine, which is neutral and non-polar, at codon 980 of the DNMT1 protein (p.Val980Met). This variant is present in population databases (rs757550838, gnomAD 0.006%). This variant has not been reported in the literature in individuals affected with DNMT1-related conditions. Advanced modeling of protein sequence and biophysical properties (such as structural, functional, and spatial information, amino acid conservation, physicochemical variation, residue mobility, and thermodynamic stability) performed at Invitae indicates that this missense variant is not expected to disrupt DNMT1 protein function. In summary, the available evidence is currently insufficient to determine the role of this variant in disease. Therefore, it has been classified as a Variant of Uncertain Significance.